The following is an entry in ClinVar:

ClinVar aggregate classification (germline): Likely pathogenic. Review status: criteria provided, single submitter (1 of 4 stars). 2 submissions from 2 submitters: Likely pathogenic (1). 1 of the submissions does not count toward it. Last evaluated 2015-01-01.

Conditions:
Nance-Horan syndrome (NHS). Identifiers: Orphanet 627, MedGen C0796085, MONDO:0010545, OMIM 302350.
NHS-related disorder. Also called: NHS-related condition.

Submissions (2):

Center for Human Genetics, University of Leuven
Classification: Likely pathogenic for Nance-Horan syndrome. Last evaluated: 2015-01-01. Review status: criteria provided, single submitter. Criteria: Fieremans et al. (Hum Mutat 2016). Collection method: literature only. Allele origin: de novo. Inheritance: Sporadic. Affected: yes. Observed: 1 variant allele.

PreventionGenetics, part of Exact Sciences
Classification: Pathogenic for NHS-related condition. Last evaluated: 2024-05-30. Review status: no assertion criteria provided. Collection method: clinical testing. Allele origin: germline. Not counted in ClinVar's aggregate classification.
Comment: The NHS c.694C>T variant is predicted to result in premature protein termination (p.Gln232*). This variant has not been reported in a large population database, indicating this variant is rare. Nonsense variants in NHS are expected to be pathogenic. This variant is interpreted as pathogenic.

NM_001291867.2(NHS):c.694C>T (p.Gln232Ter)

Gene: NHS (NHS actin remodeling regulator; plus strand). Cytogenetic location: Xp22.13.
Variant type: single nucleotide variant.
Coding change: c.694C>T on transcript NM_001291867.2 (MANE Select); coding-DNA position 694, C replaced by T.
Protein change: p.Gln232Ter; replaces glutamine 232 with a stop codon.
Molecular consequence: nonsense.
Genome position (GRCh38, 1-based): chrX:17,687,870, C>T. VCF-style: chrX-17687870-C-T. GRCh37 (hg19) VCF-style: chrX-17705990-C-T.
Other names: c.163C>T, p.Gln55Ter (NM_001136024.4, NM_001291868.2); c.694C>T, p.Gln232Ter (NM_198270.4); c.694C>T (NM_198270.3); short protein forms Q232*, Q55*.
Identifiers: ClinVar variation 225896 (VCV000225896.3), dbSNP rs875989805, ClinGen allele CA10576136.
Genomic context (GRCh38, chrX:17,687,870, plus strand): 5'-AACATCTTCCTCCCAGCCACAAGGCCACCCTGCGTGGAGGAGCTGCACCGCCACGCCCGG[C>T]AGAGCCTGCAAGCCCTGCGCAGAGGTGACAGATCCTGGGCTTGGGGGCTTTTGCGGGAGA-3'